The following is an entry in ClinVar:

NM_173689.7(CRB2):c.498C>T (p.Gly166=)

Gene: CRB2 (crumbs cell polarity complex component 2; plus strand). Cytogenetic location: 9q33.3.
Variant type: single nucleotide variant.
Coding change: c.498C>T on transcript NM_173689.7 (MANE Select); coding-DNA position 498, C replaced by T.
Protein change: p.Gly166=; no amino-acid change (glycine 166 retained).
Molecular consequence: synonymous variant.
Genome position (GRCh38, 1-based): chr9:123,365,996, C>T. VCF-style: chr9-123365996-C-T. GRCh37 (hg19) VCF-style: chr9-126128275-C-T.
Identifiers: ClinVar variation 4535019 (VCV004535019.6).

ClinVar aggregate classification (germline): Likely benign (1 of 4 stars; one submission).

Submission:

CeGaT Center for Human Genetics Tuebingen
Classification: Likely benign. Last evaluated: 2025-10-01. Review status: criteria provided, single submitter. Criteria: CeGaT Center For Human Genetics Tuebingen Variant Classification Criteria Version 2. Collection method: clinical testing. Allele origin: germline. Affected: yes. Observed: 1 variant allele.
Comment: CRB2: BP4, BP7